The following is an entry in ClinVar:

ClinVar aggregate classification (germline): Uncertain significance (1 of 4 stars; one submission).

Conditions:
Retinitis pigmentosa 10 (RP10). Identifiers: Orphanet 791, MedGen C1867299, MONDO:0008379, OMIM 180105.

Submission:

3billion
Classification: Uncertain significance for Retinitis pigmentosa 10. Last evaluated: 2024-03-13. Review status: criteria provided, single submitter. Criteria: ACMG Guidelines, 2015. Collection method: clinical testing. Allele origin: germline. Affected: yes.
Comment: The variant is not observed in the gnomAD v2.1.1 dataset. Predicted Consequence/Location: Missense changes are a common disease-causing mechanism. Therefore, this variant is classified as VUS according to the recommendation of ACMG/AMP guideline.

NM_000883.4(IMPDH1):c.1731G>T (p.Lys577Asn)

Gene: IMPDH1 (inosine monophosphate dehydrogenase 1; minus strand). Cytogenetic location: 7q32.1.
Variant type: single nucleotide variant.
Coding change: c.1731G>T on transcript NM_000883.4 (MANE Select); coding-DNA position 1731, G replaced by T.
Protein change: p.Lys577Asn; replaces lysine 577 with asparagine.
Molecular consequence: missense variant.
Genome position (GRCh38, 1-based): chr7:128,394,325, C>A on the plus strand (G>T on the coding strand, the complement: IMPDH1 is on the minus strand). VCF-style: chr7-128394325-C-A. GRCh37 (hg19) VCF-style: chr7-128034379-C-A.
Other names: c.1701G>T, p.Lys567Asn (NM_001102605.2); c.1476G>T, p.Lys492Asn (NM_001142573.2); c.1461G>T, p.Lys487Asn (NM_001142574.2); c.1401G>T, p.Lys467Asn (NM_001142575.2); c.1632G>T, p.Lys544Asn (NM_001142576.2); c.1524G>T, p.Lys508Asn (NM_001304521.2); c.1623G>T, p.Lys541Asn (NM_183243.3); short protein forms K467N, K487N, K492N, K508N, K541N, K544N, K567N, K577N.
Identifiers: ClinVar variation 3776049 (VCV003776049.1).